The following is an entry in ClinVar:

ClinVar aggregate classification (germline): Conflicting classifications of pathogenicity. Review status: criteria provided, conflicting classifications (1 of 4 stars). 7 submissions from 6 submitters: Uncertain significance (6); Benign (1). Last evaluated 2025-02-25.

Conditions:
Emery-Dreifuss muscular dystrophy 4, autosomal dominant (EDMD4). Also called: EMERY-DREIFUSS MUSCULAR DYSTROPHY 4 WITH VARIABLE FEATURES. Identifiers: Orphanet 261, MedGen C2751807, MONDO:0013071, OMIM 612998.
Autosomal recessive ataxia, Beauce type. Also called: SYNE1 Deficiency; SYNE1-Related Autosomal Recessive Cerebellar Ataxia; ATAXIA, RECESSIVE, OF BEAUCE; Spinocerebellar ataxia, autosomal recessive 8. Identifiers: Orphanet 88644, MedGen C1853116, MONDO:0012549, OMIM 610743.

Allele frequency attached by ClinVar (database versions not stated): gnomAD exomes 0.00016; gnomAD 0.00021; TOPMed 0.00031; 1000 Genomes Project 0.00080; 1000 Genomes Project 30x 0.00094.
gnomAD v4.1: 289 of 1,614,108 alleles (0.018%); highest among the groups gnomAD compares: Admixed American, 0.047%; no homozygotes.

Submissions (7):

Athena Diagnostics
Classification: Uncertain significance. Last evaluated: 2025-02-25. Review status: criteria provided, single submitter. Criteria: Athena Diagnostics Criteria. Collection method: clinical testing. Allele origin: unknown.
Comment: Available data are insufficient to determine the clinical significance of the variant at this time. The frequency of this variant in the general population is uninformative in assessment of its pathogenicity. Polyphen and MutationTaster predict this amino acid change may be benign.

CeGaT Center for Human Genetics Tuebingen
Classification: Uncertain significance. Last evaluated: 2024-07-01. Review status: criteria provided, single submitter. Criteria: CeGaT Center For Human Genetics Tuebingen Variant Classification Criteria Version 2. Collection method: clinical testing. Allele origin: germline. Affected: yes. Observed: 2 variant alleles.
Comment: SYNE1: PM2:Supporting, BP4

Revvity Omics, Revvity
Classification: Uncertain significance. Last evaluated: 2023-03-30. Review status: criteria provided, single submitter. Criteria: ACMG Guidelines, 2015. Collection method: clinical testing. Allele origin: germline.

Labcorp Genetics (formerly Invitae), Labcorp
Classification: Uncertain significance for Emery-Dreifuss muscular dystrophy 4, autosomal dominant; Autosomal recessive ataxia, Beauce type. Last evaluated: 2022-07-19. Review status: criteria provided, single submitter. Criteria: Invitae Variant Classification Sherloc (09022015). Collection method: clinical testing. Allele origin: germline.
Comment: This sequence change replaces proline, which is neutral and non-polar, with alanine, which is neutral and non-polar, at codon 5921 of the SYNE1 protein (p.Pro5921Ala). This variant is present in population databases (rs200701182, gnomAD 0.03%). This variant has not been reported in the literature in individuals affected with SYNE1-related conditions. ClinVar contains an entry for this variant (Variation ID: 285355). Algorithms developed to predict the effect of missense changes on protein structure and function (SIFT, PolyPhen-2, Align-GVGD) all suggest that this variant is likely to be tolerated. In summary, the available evidence is currently insufficient to determine the role of this variant in disease. Therefore, it has been classified as a Variant of Uncertain Significance.

Eurofins Ntd Llc (ga)
Classification: Uncertain significance. Last evaluated: 2018-06-20. Review status: criteria provided, single submitter. Criteria: EGL ClinVar v180209 classification definitions. Collection method: clinical testing. Allele origin: germline. Observed: 6 variant alleles, 6 heterozygotes.

Illumina Laboratory Services, Illumina
Classification: Benign for Emery-Dreifuss muscular dystrophy 4, autosomal dominant. Last evaluated: 2018-01-13. Review status: criteria provided, single submitter. Criteria: ICSL Variant Classification Criteria 13 December 2019. Collection method: clinical testing. Allele origin: germline.
Comment: This variant was observed in the ICSL laboratory as part of a predisposition screen in an ostensibly healthy population. It had not been previously curated by ICSL or reported in the Human Gene Mutation Database (HGMD: prior to June 1st, 2018), and was therefore a candidate for classification through an automated scoring system. Utilizing variant allele frequency, disease prevalence and penetrance estimates, and inheritance mode, an automated score was calculated to assess if this variant is too frequent to cause the disease. Based on the score and internal cut-off values, a variant classified as benign is not then subjected to further curation. The score for this variant resulted in a classification of benign for this disease.

Illumina Laboratory Services, Illumina
Classification: Uncertain significance for Autosomal recessive ataxia, Beauce type. Last evaluated: 2018-01-13. Review status: criteria provided, single submitter. Criteria: ICSL Variant Classification Criteria 13 December 2019. Collection method: clinical testing. Allele origin: germline.

Literature cited by the submitters: PubMed 26350515 (cited by Athena Diagnostics).

NM_182961.4(SYNE1):c.17974C>G (p.Pro5992Ala)

Gene: SYNE1 (spectrin repeat containing nuclear envelope protein 1; minus strand). Cytogenetic location: 6q25.2.
Variant type: single nucleotide variant.
Coding change: c.17974C>G on transcript NM_182961.4 (MANE Select); coding-DNA position 17974, C replaced by G.
Protein change: p.Pro5992Ala; replaces proline 5992 with alanine.
Molecular consequence: missense variant.
Genome position (GRCh38, 1-based): chr6:152,293,626, G>C on the plus strand (C>G on the coding strand, the complement: SYNE1 is on the minus strand). VCF-style: chr6-152293626-G-C. GRCh37 (hg19) VCF-style: chr6-152614761-G-C.
Other names: c.17761C>G, p.Pro5921Ala (NM_033071.5); short protein forms P5992A, P5921A.
Identifiers: ClinVar variation 285355 (VCV000285355.60), dbSNP rs200701182, ClinGen allele CA4055084.
Genomic context (GRCh38, chr6:152,293,626, plus strand): 5'-CTGAAGTCATGGCTATTTGTACCTGATGTTCAGCCATCTGGCTTTCTGGACTCCTGCCAG[G>C]CTCTGGGCTCTCACTGAGTTTCAGCTCAATGGCCTCCATCTTCGTAGAGATGGACTGGAG-3'
Protein context (NP_892006.3, residues 5982-6002): IELKLSESPE[Pro5992Ala]GRSPESQMAE